The following is an entry in ClinVar:

NM_000059.4(BRCA2):c.9190G>A (p.Asp3064Asn)

Gene: BRCA2 (BRCA2 DNA repair associated; plus strand). Cytogenetic location: 13q13.1.
Variant type: single nucleotide variant.
Coding change: c.9190G>A on transcript NM_000059.4 (MANE Select); coding-DNA position 9190, G replaced by A.
Protein change: p.Asp3064Asn; replaces aspartic acid 3064 with asparagine.
Molecular consequence: missense variant.
Genome position (GRCh38, 1-based): chr13:32,380,079, G>A. VCF-style: chr13-32380079-G-A. GRCh37 (hg19) VCF-style: chr13-32954216-G-A.
Other names: 9418G>A; short protein forms D3064N.
Identifiers: ClinVar variation 52772 (VCV000052772.34), dbSNP rs80359177, ClinGen allele CA026023.

ClinVar aggregate classification (germline): Conflicting classifications of pathogenicity. Review status: criteria provided, conflicting classifications (1 of 4 stars). 13 submissions from 13 submitters: Uncertain significance (2); Benign (1); Likely benign (5). 5 of the submissions do not count toward it. Last evaluated 2026-03-30.

Conditions:
Hereditary cancer-predisposing syndrome. Also called: Neoplastic Syndromes, Hereditary; Tumor predisposition; Hereditary Cancer Syndrome; Hereditary neoplastic syndrome. Identifiers: Orphanet 140162, MedGen C0027672, MeSH D009386, MONDO:0015356.
Hereditary breast ovarian cancer syndrome. Also called: Breast and ovarian cancer; BRCA1- and BRCA2-Associated Hereditary Breast and Ovarian Cancer; Hereditary breast and ovarian cancer syndrome; Hereditary breast and/or ovarian cancer syndrome; Hereditary breast and ovarian cancer syndrome (HBOC); Hereditary breast and ovarian cancer. Identifiers: Orphanet 145, MedGen C0677776, MeSH D061325, MONDO:0003582. Disease mechanism: loss of function.
Breast-ovarian cancer, familial, susceptibility to, 2 (BROVCA2). Also called: BRCA2 Hereditary Breast and Ovarian Cancer. Identifiers: Orphanet 145, MedGen C2675520, MONDO:0012933, OMIM 612555. Disease mechanism: loss of function.

Allele frequency attached by ClinVar (database versions not stated): gnomAD exomes 0.00002 and 0.00005; gnomAD 0.00003.

Submissions (13):

Women's Health and Genetics/Laboratory Corporation of America, LabCorp
Classification: Likely benign. Last evaluated: 2026-03-30. Review status: criteria provided, single submitter. Criteria: LabCorp Variant Classification Summary - May 2015. Collection method: clinical testing. Allele origin: germline.
Comment: Variant summary: BRCA2 c.9190G>A (p.Asp3064Asn) results in a conservative amino acid change located in the BRCA2, OB3 domain (IPR015188) of the encoded protein sequence. Algorithms developed to predict the effect of missense changes on protein structure and function all suggest that this variant is likely to be tolerated. The variant allele was found at a frequency of 1.6e-05 in 251296 control chromosomes. The available data on variant occurrences in the general population are insufficient to allow any conclusion about variant significance. c.9190G>A has been reported in the literature in patients undergoing testing without information on cancer phenotype and in the UK10K cohort of control individuals collected as part of non-cancer studies (example, Qian_2018, Pritchard_2018). These report(s) do not provide unequivocal conclusions about association of the variant with Hereditary Breast And Ovarian Cancer Syndrome. Furthermore, a computational method that produces a probabilistic likelihood ratio has reported this variant as having a neutral outcome (Karchin_2008). At-least one co-occurrence with another pathogenic variant has been reported at our laboratory (BRCA2 c.6408_6414delAAATGTT, p.N2137fs*29), providing supporting evidence for a benign role. To our knowledge, no experimental evidence demonstrating an impact on protein function has been reported. The following publications have been ascertained in the context of this evaluation (PMID: 19043619, 29641532, 30212499). ClinVar contains an entry for this variant (Variation ID: 52772). Based on the evidence outlined above, the variant was classified as likely benign.

Labcorp Genetics (formerly Invitae), Labcorp
Classification: Likely benign for Hereditary breast ovarian cancer syndrome. Last evaluated: 2026-01-26. Review status: criteria provided, single submitter. Criteria: Invitae Variant Classification Sherloc (09022015). Collection method: clinical testing. Allele origin: germline.

Quest Diagnostics Nichols Institute San Juan Capistrano
Classification: Likely benign. Last evaluated: 2025-06-25. Review status: criteria provided, single submitter. Criteria: Quest Diagnostics criteria. Collection method: clinical testing. Allele origin: unknown.

Blueprint Genetics
Classification: Uncertain significance. Last evaluated: 2021-05-18. Review status: criteria provided, single submitter. Criteria: ACMG Guidelines, 2015. Collection method: clinical testing. Allele origin: germline.

GeneDx
Classification: Likely benign. Last evaluated: 2021-05-04. Review status: criteria provided, single submitter. Criteria: GeneDx Variant Classification Process June 2021. Collection method: clinical testing. Allele origin: germline. Affected: yes.
Comment: This variant is associated with the following publications: (PMID: 25348012, 19043619, 25925381, 24817641, 29641532)

ARUP Laboratories, Molecular Genetics and Genomics, ARUP Laboratories
Classification: Uncertain significance. Last evaluated: 2020-11-05. Review status: criteria provided, single submitter. Criteria: ARUP Molecular Germline Variant Investigation Process 2021. Collection method: clinical testing. Allele origin: germline.
Comment: The BRCA2 c.9190G>A; p.Asp3064Asn variant (rs80359177), to our knowledge, is not reported in the medical literature but is reported in ClinVar (Variation ID: 52772). This variant is found on only five chromosomes (5/282678 alleles) in the Genome Aggregation Database. The aspartate at codon 3064 is weakly conserved, and computational analyses are uncertain whether this variant is neutral or deleterious (REVEL: 0.311). Due to limited information, the clinical significance of the p.Asp3064Asn variant is uncertain at this time.

Ambry Genetics
Classification: Likely benign for Hereditary cancer-predisposing syndrome. Last evaluated: 2018-10-26. Review status: criteria provided, single submitter. Criteria: Ambry Variant Classification Scheme 2023. Collection method: clinical testing. Allele origin: germline.

Color Diagnostics, LLC DBA Color Health
Classification: Benign for Hereditary cancer-predisposing syndrome. Last evaluated: 2016-12-19. Review status: criteria provided, single submitter. Criteria: ACMG Guidelines, 2015. Collection method: clinical testing. Allele origin: germline.

True Health Diagnostics
Classification: Likely benign for Hereditary cancer-predisposing syndrome. Last evaluated: 2018-08-07. Review status: no assertion criteria provided. Collection method: clinical testing. Allele origin: germline. Not counted in ClinVar's aggregate classification.

Counsyl
Classification: Uncertain significance for Breast-ovarian cancer, familial, susceptibility to, 2. Last evaluated: 2018-03-21. Review status: no assertion criteria provided. Collection method: clinical testing. Allele origin: unknown. Not counted in ClinVar's aggregate classification.

Mayo Clinic Laboratories, Mayo Clinic
Classification: Uncertain significance. Last evaluated: 2015-10-07. Review status: no assertion criteria provided. Collection method: clinical testing. Allele origin: unknown. Not counted in ClinVar's aggregate classification.

Sharing Clinical Reports Project (SCRP)
Classification: Benign for Breast-ovarian cancer, familial 2. Last evaluated: 2012-03-20. Review status: no assertion criteria provided. Collection method: clinical testing. Allele origin: germline. Not counted in ClinVar's aggregate classification.

Breast Cancer Information Core (BIC) (BRCA2)
Classification: Uncertain significance for Breast-ovarian cancer, familial 2. Last evaluated: 2002-05-29. Review status: no assertion criteria provided. Collection method: clinical testing. Allele origin: germline. Affected: yes. Observed: 3 variant alleles. Not counted in ClinVar's aggregate classification.

Literature cited by the submitters: PubMed 19043619 (cited by 4 submitters); PubMed 29641532 (cited by Women's Health and Genetics/Laboratory Corporation of America, LabCorp and Quest Diagnostics Nichols Institute San Juan Capistrano); PubMed 30212499 (cited by Women's Health and Genetics/Laboratory Corporation of America, LabCorp and Quest Diagnostics Nichols Institute San Juan Capistrano); PubMed 33471991 (cited by Quest Diagnostics Nichols Institute San Juan Capistrano); PubMed 33293522 (cited by Quest Diagnostics Nichols Institute San Juan Capistrano).